The following is an entry in ClinVar:

NM_000057.4(BLM):c.3437T>C (p.Phe1146Ser)

Gene: BLM (BLM RecQ like helicase; plus strand). Cytogenetic location: 15q26.1.
Variant type: single nucleotide variant.
Coding change: c.3437T>C on transcript NM_000057.4 (MANE Select); coding-DNA position 3437, T replaced by C.
Protein change: p.Phe1146Ser; replaces phenylalanine 1146 with serine.
Molecular consequence: missense variant. On other transcripts: intron variant (1).
Genome position (GRCh38, 1-based): chr15:90,803,599, T>C. VCF-style: chr15-90803599-T-C. GRCh37 (hg19) VCF-style: chr15-91346829-T-C.
Other names: c.3437T>C, p.Phe1146Ser (NM_001287246.2); c.2312T>C, p.Phe771Ser (NM_001287248.2); c.3358+5262T>C (NM_001287247.2); short protein forms F771S, F1146S.
Identifiers: ClinVar variation 1731424 (VCV001731424.6), dbSNP rs1407593661, ClinGen allele CA393847590.
Genomic context (GRCh38, chr15:90,803,599, plus strand): 5'-TCCAGTCAGGTATATTTGGAAAAGGATCTGCTTATTCACGACACAATGCCGAAAGACTTT[T>C]TAAAAAGCTGATACTTGACAAGATTTTGGATGAAGACTTATATATCAATGCCAATGACCA-3'
Protein context (NP_000048.1, residues 1136-1156): AYSRHNAERL[Phe1146Ser]KKLILDKILD

ClinVar aggregate classification (germline): Uncertain significance. Review status: criteria provided, multiple submitters, no conflicts (2 of 4 stars). 2 submissions from 2 submitters: Uncertain significance (2). Last evaluated 2024-02-06.

Conditions:
Hereditary cancer-predisposing syndrome. Also called: Neoplastic Syndromes, Hereditary; Tumor predisposition; Hereditary Cancer Syndrome; Hereditary neoplastic syndrome. Identifiers: Orphanet 140162, MedGen C0027672, MeSH D009386, MONDO:0015356.
Bloom syndrome (BLM). Also called: Bloom-Torre-Machacek syndrome. Identifiers: Orphanet 125, MedGen C0005859, MONDO:0008876, OMIM 210900.

Allele frequency attached by ClinVar (database versions not stated): gnomAD exomes below 0.00001; TOPMed below 0.00001.
gnomAD v4.1: 1 of 1,614,028 alleles (0.000062%); highest among the groups gnomAD compares: East Asian, 0.0022%; no homozygotes.

Submissions (2):

Labcorp Genetics (formerly Invitae), Labcorp
Classification: Uncertain significance for Bloom syndrome. Last evaluated: 2024-02-06. Review status: criteria provided, single submitter. Criteria: Invitae Variant Classification Sherloc (09022015). Collection method: clinical testing. Allele origin: germline.
Comment: This sequence change replaces phenylalanine, which is neutral and non-polar, with serine, which is neutral and polar, at codon 1146 of the BLM protein (p.Phe1146Ser). This variant is not present in population databases (gnomAD no frequency). This variant has not been reported in the literature in individuals affected with BLM-related conditions. ClinVar contains an entry for this variant (Variation ID: 1731424). Advanced modeling of protein sequence and biophysical properties (such as structural, functional, and spatial information, amino acid conservation, physicochemical variation, residue mobility, and thermodynamic stability) performed at Invitae indicates that this missense variant is expected to disrupt BLM protein function with a positive predictive value of 80%. In summary, the available evidence is currently insufficient to determine the role of this variant in disease. Therefore, it has been classified as a Variant of Uncertain Significance.

Ambry Genetics
Classification: Uncertain significance for Hereditary cancer-predisposing syndrome. Last evaluated: 2022-07-19. Review status: criteria provided, single submitter. Criteria: Ambry Variant Classification Scheme 2023. Collection method: clinical testing. Allele origin: germline.
Comment: The p.F1146S variant (also known as c.3437T>C), located in coding exon 17 of the BLM gene, results from a T to C substitution at nucleotide position 3437. The phenylalanine at codon 1146 is replaced by serine, an amino acid with highly dissimilar properties. This amino acid position is conserved. In addition, this alteration is predicted to be deleterious by in silico analysis. Since supporting evidence is limited at this time, the clinical significance of this alteration remains unclear.